The following is an entry in ClinVar:

NM_145020.5(CFAP53):c.474-2A>G

Gene: CFAP53 (cilia and flagella associated protein 53; minus strand). Cytogenetic location: 18q21.1.
Variant type: single nucleotide variant.
Coding change: c.474-2A>G on transcript NM_145020.5 (MANE Select); the canonical splice acceptor site of the intron before coding-DNA position 474, A replaced by G.
Molecular consequence: splice acceptor variant.
Genome position (GRCh38, 1-based): chr18:50,251,786, T>C on the plus strand (A>G on the coding strand, the complement: CFAP53 is on the minus strand). VCF-style: chr18-50251786-T-C. GRCh37 (hg19) VCF-style: chr18-47778156-T-C.
Identifiers: ClinVar variation 3714503 (VCV003714503.2).

ClinVar aggregate classification (germline): Likely pathogenic (1 of 4 stars; one submission).

Conditions:
Heterotaxy, visceral, 6, autosomal (HTX6). Also called: Heterotaxy, visceral, 6, autosomal recessive. Identifiers: Orphanet 450, MedGen C3553676, MONDO:0013887, OMIM 614779.

gnomAD v4.1: 7 of 1,610,574 alleles (0.00043%); highest among the groups gnomAD compares: African/African-American, 0.0013%; no homozygotes.

Submission:

Labcorp Genetics (formerly Invitae), Labcorp
Classification: Likely pathogenic for Heterotaxy, visceral, 6, autosomal. Last evaluated: 2025-06-12. Review status: criteria provided, single submitter. Criteria: Invitae Variant Classification Sherloc (09022015). Collection method: clinical testing. Allele origin: germline.
Comment: This sequence change affects an acceptor splice site in intron 3 of the CFAP53 gene. It is expected to disrupt RNA splicing. Variants that disrupt the donor or acceptor splice site typically lead to a loss of protein function (PMID: 16199547), and loss-of-function variants in CFAP53 are known to be pathogenic (PMID: 22577226, 25504577, 26531781). The frequency data for this variant in the population databases is considered unreliable, as metrics indicate poor data quality at this position in the gnomAD database. This variant has not been reported in the literature in individuals affected with CFAP53-related conditions. ClinVar contains an entry for this variant (Variation ID: 3714503). Algorithms developed to predict the effect of sequence changes on RNA splicing suggest that this variant may disrupt the consensus splice site. In summary, the currently available evidence indicates that the variant is pathogenic, but additional data are needed to prove that conclusively. Therefore, this variant has been classified as Likely Pathogenic.

Literature cited by the submitters: PubMed 16199547; PubMed 22577226; PubMed 25504577; PubMed 26531781.